The following is an entry in ClinVar:

NM_003047.5(SLC9A1):c.1379C>A (p.Ala460Asp)

Genes: SLC9A1 (solute carrier family 9 member A1; minus strand), LOC126805673 (MED14-independent group 3 enhancer GRCh37_chr1:27431568-27432767; plus strand). Cytogenetic location: 1p36.11.
Variant type: single nucleotide variant.
Coding change: c.1379C>A on transcript NM_003047.5 (MANE Select); coding-DNA position 1379, C replaced by A.
Protein change: p.Ala460Asp; replaces alanine 460 with aspartic acid.
Molecular consequence: missense variant. On other transcripts: non-coding transcript variant (1).
Genome position (GRCh38, 1-based): chr1:27,105,991, G>T on the plus strand (C>A on the coding strand, the complement: SLC9A1 is on the minus strand). VCF-style: chr1-27105991-G-T. GRCh37 (hg19) VCF-style: chr1-27432482-G-T.
Other names: short protein forms A460D.
Identifiers: ClinVar variation 2663414 (VCV002663414.1), dbSNP rs2523120782, ClinGen allele CA339185153.

ClinVar aggregate classification (germline): Uncertain significance (1 of 4 stars; one submission).

Submission:

GeneDx
Classification: Uncertain significance. Last evaluated: 2023-05-01. Review status: criteria provided, single submitter. Criteria: GeneDx Variant Classification Process June 2021. Collection method: clinical testing. Allele origin: germline. Affected: yes.
Comment: Not observed at significant frequency in large population cohorts (gnomAD); In silico analysis supports that this missense variant has a deleterious effect on protein structure/function; Has not been previously published as pathogenic or benign to our knowledge